The following is an entry in ClinVar:

NM_015981.4(CAMK2A):c.1442C>G (p.Ser481Cys)

Gene: CAMK2A (calcium/calmodulin dependent protein kinase II alpha; minus strand). Cytogenetic location: 5q32.
Variant type: single nucleotide variant.
Coding change: c.1442C>G on transcript NM_015981.4 (MANE Select); coding-DNA position 1442, C replaced by G.
Protein change: p.Ser481Cys; replaces serine 481 with cysteine.
Molecular consequence: missense variant.
Genome position (GRCh38, 1-based): chr5:150,223,013, G>C on the plus strand (C>G on the coding strand, the complement: CAMK2A is on the minus strand). VCF-style: chr5-150223013-G-C. GRCh37 (hg19) VCF-style: chr5-149602576-G-C.
Other names: c.1442C>G, p.Ser481Cys (NM_001363989.1); c.1409C>G, p.Ser470Cys (NM_001363990.1, NM_001369025.2, NM_171825.3); short protein forms S470C, S481C.
Identifiers: ClinVar variation 2428850 (VCV002428850.4), dbSNP rs2481475794, ClinGen allele CA361738928.

ClinVar aggregate classification (germline): Uncertain significance (1 of 4 stars; one submission).

Submission:

GeneDx
Classification: Uncertain significance. Last evaluated: 2024-12-21. Review status: criteria provided, single submitter. Criteria: GeneDx Variant Classification Process June 2021. Collection method: clinical testing. Allele origin: germline.
Comment: Not observed at significant frequency in large population cohorts (gnomAD); In silico analysis supports that this missense variant has a deleterious effect on protein structure/function; Has not been previously published as pathogenic or benign to our knowledge